The following is an entry in ClinVar:

ClinVar aggregate classification (germline): Uncertain significance (1 of 4 stars; one submission).

Conditions:
Oligodontia-cancer predisposition syndrome. Also called: TOOTH AGENESIS-COLORECTAL CANCER SYNDROME. Identifiers: Orphanet 300576, MedGen C1837750, MONDO:0012075, OMIM 608615. Disease mechanism: loss of function.

Submission:

Labcorp Genetics (formerly Invitae), Labcorp
Classification: Uncertain significance for Oligodontia-cancer predisposition syndrome. Last evaluated: 2021-11-09. Review status: criteria provided, single submitter. Criteria: Invitae Variant Classification Sherloc (09022015). Collection method: clinical testing. Allele origin: germline.
Comment: This sequence change replaces leucine, which is neutral and non-polar, with proline, which is neutral and non-polar, at codon 426 of the AXIN2 protein (p.Leu426Pro). This variant is not present in population databases (gnomAD no frequency). This variant has not been reported in the literature in individuals affected with AXIN2-related conditions. Algorithms developed to predict the effect of missense changes on protein structure and function are either unavailable or do not agree on the potential impact of this missense change (SIFT: "Deleterious"; PolyPhen-2: "Possibly Damaging"; Align-GVGD: "Class C0"). In summary, the available evidence is currently insufficient to determine the role of this variant in disease. Therefore, it has been classified as a Variant of Uncertain Significance.

NM_004655.4(AXIN2):c.1277T>C (p.Leu426Pro)

Gene: AXIN2 (axin 2; minus strand). Cytogenetic location: 17q24.1.
Variant type: single nucleotide variant.
Coding change: c.1277T>C on transcript NM_004655.4 (MANE Select); coding-DNA position 1277, T replaced by C.
Protein change: p.Leu426Pro; replaces leucine 426 with proline.
Molecular consequence: missense variant.
Genome position (GRCh38, 1-based): chr17:65,537,759, A>G on the plus strand (T>C on the coding strand, the complement: AXIN2 is on the minus strand). VCF-style: chr17-65537759-A-G. GRCh37 (hg19) VCF-style: chr17-63533877-A-G.
Other names: c.1277T>C, p.Leu426Pro (NM_001363813.1); short protein forms L426P.
Identifiers: ClinVar variation 1476944 (VCV001476944.6), dbSNP rs1567756473, ClinGen allele CA400677831.